The following is an entry in ClinVar:

NM_024675.4(PALB2):c.475G>T (p.Glu159Ter)

Gene: PALB2 (partner and localizer of BRCA2; minus strand). Cytogenetic location: 16p12.2.
Variant type: single nucleotide variant.
Coding change: c.475G>T on transcript NM_024675.4 (MANE Select); coding-DNA position 475, G replaced by T.
Protein change: p.Glu159Ter; replaces glutamic acid 159 with a stop codon.
Molecular consequence: nonsense.
Genome position (GRCh38, 1-based): chr16:23,636,071, C>A on the plus strand (G>T on the coding strand, the complement: PALB2 is on the minus strand). VCF-style: chr16-23636071-C-A. GRCh37 (hg19) VCF-style: chr16-23647392-C-A.
Other names: short protein forms E159*.
Identifiers: ClinVar variation 548756 (VCV000548756.9), dbSNP rs1555461788, ClinGen allele CA395137122.

ClinVar aggregate classification (germline): Pathogenic. Review status: criteria provided, multiple submitters, no conflicts (2 of 4 stars). 3 submissions from 3 submitters: Pathogenic (2). 1 of the submissions does not count toward it. Last evaluated 2023-03-30.

Conditions:
Familial cancer of breast. Also called: Hereditary breast cancer; hereditary breast carcinoma; BREAST CANCER, FAMILIAL. Identifiers: Orphanet 227535, MedGen C0346153, MONDO:0016419, OMIM 114480. Disease mechanism: loss of function.

Allele frequency attached by ClinVar (database versions not stated): gnomAD exomes below 0.00001.

Submissions (3):

Myriad Genetics, Inc.
Classification: Pathogenic for Familial cancer of breast. Last evaluated: 2023-03-30. Review status: criteria provided, single submitter. Criteria: Myriad Autosomal Dominant, Autosomal Recessive and X-Linked Classification Criteria (2023). Collection method: clinical testing. Allele origin: unknown.
Comment: This variant is considered pathogenic. This variant creates a termination codon and is predicted to result in premature protein truncation.

Labcorp Genetics (formerly Invitae), Labcorp
Classification: Pathogenic for Familial cancer of breast. Last evaluated: 2018-04-18. Review status: criteria provided, single submitter. Criteria: Invitae Variant Classification Sherloc (09022015). Collection method: clinical testing. Allele origin: germline.
Comment: This sequence change creates a premature translational stop signal (p.Glu159*) in the PALB2 gene. It is expected to result in an absent or disrupted protein product. This variant is not present in population databases (ExAC no frequency). This variant has not been reported in the literature in individuals with PALB2-related disease. Loss-of-function variants in PALB2 are known to be pathogenic (PMID: 17200668, 24136930, 25099575). For these reasons, this variant has been classified as Pathogenic.

Counsyl
Classification: Likely pathogenic for Familial cancer of breast. Last evaluated: 2017-06-26. Review status: no assertion criteria provided. Collection method: clinical testing. Allele origin: unknown. Not counted in ClinVar's aggregate classification.

Literature cited by the submitters: PubMed 17200668 (cited by Labcorp Genetics (formerly Invitae), Labcorp); PubMed 24136930 (cited by Labcorp Genetics (formerly Invitae), Labcorp); PubMed 25099575 (cited by Labcorp Genetics (formerly Invitae), Labcorp).